The following is an entry in ClinVar:

ClinVar aggregate classification (germline): Uncertain significance (1 of 4 stars; one submission).

Submission:

Labcorp Genetics (formerly Invitae), Labcorp
Classification: Uncertain significance. Last evaluated: 2024-10-17. Review status: criteria provided, single submitter. Criteria: Invitae Variant Classification Sherloc (09022015). Collection method: clinical testing. Allele origin: germline.
Comment: This sequence change replaces leucine, which is neutral and non-polar, with phenylalanine, which is neutral and non-polar, at codon 221 of the KRT6A protein (p.Leu221Phe). This variant is present in population databases (rs368436863, gnomAD 0.009%). This variant has not been reported in the literature in individuals affected with KRT6A-related conditions. Invitae Evidence Modeling of protein sequence and biophysical properties (such as structural, functional, and spatial information, amino acid conservation, physicochemical variation, residue mobility, and thermodynamic stability) has been performed for this missense variant. However, the output from this modeling did not meet the statistical confidence thresholds required to predict the impact of this variant on KRT6A protein function. In summary, the available evidence is currently insufficient to determine the role of this variant in disease. Therefore, it has been classified as a Variant of Uncertain Significance.

NM_005554.4(KRT6A):c.661C>T (p.Leu221Phe)

Gene: KRT6A (keratin 6A; minus strand). Cytogenetic location: 12q13.13.
Variant type: single nucleotide variant.
Coding change: c.661C>T on transcript NM_005554.4 (MANE Select); coding-DNA position 661, C replaced by T.
Protein change: p.Leu221Phe; replaces leucine 221 with phenylalanine.
Molecular consequence: missense variant.
Genome position (GRCh38, 1-based): chr12:52,491,616, G>A on the plus strand (C>T on the coding strand, the complement: KRT6A is on the minus strand). VCF-style: chr12-52491616-G-A. GRCh37 (hg19) VCF-style: chr12-52885400-G-A.
Other names: short protein forms L221F.
Identifiers: ClinVar variation 3708493 (VCV003708493.2).